The following is an entry in ClinVar:

ClinVar aggregate classification (germline): Uncertain significance. Review status: criteria provided, multiple submitters, no conflicts (2 of 4 stars). 3 submissions from 3 submitters: Uncertain significance (3). Last evaluated 2025-10-23.

Conditions:
Hereditary cancer-predisposing syndrome. Also called: Tumor predisposition; Neoplastic Syndromes, Hereditary; Hereditary Cancer Syndrome; Hereditary neoplastic syndrome. Identifiers: Orphanet 140162, MedGen C0027672, MeSH D009386, MONDO:0015356.
Peutz-Jeghers syndrome (PJS). Also called: POLYPOSIS, HAMARTOMATOUS INTESTINAL; POLYPS-AND-SPOTS SYNDROME; Peutz-Jeghers polyposis; Periorificial lentiginosis syndrome. Identifiers: Orphanet 2869, MedGen C0031269, MeSH D010580, MONDO:0008280, OMIM 175200.

Allele frequency attached by ClinVar (database versions not stated): gnomAD exomes below 0.00001.
gnomAD v4.1: 2 of 1,544,934 alleles (0.00013%); highest among the groups gnomAD compares: Non-Finnish European, 0.00017%; no homozygotes.

Submissions (3):

Ambry Genetics
Classification: Uncertain significance for Hereditary cancer-predisposing syndrome. Last evaluated: 2025-10-23. Review status: criteria provided, single submitter. Criteria: Ambry Variant Classification Scheme 2023. Collection method: clinical testing. Allele origin: germline.
Comment: The p.L427P variant (also known as c.1280T>C), located in coding exon 9 of the STK11 gene, results from a T to C substitution at nucleotide position 1280. The leucine at codon 427 is replaced by proline, an amino acid with similar properties. This amino acid position is highly conserved in available vertebrate species. In addition, the in silico prediction for this alteration is inconclusive. Since supporting evidence is limited at this time, the clinical significance of this alteration remains unclear.

Color Diagnostics, LLC DBA Color Health
Classification: Uncertain significance for Hereditary cancer-predisposing syndrome. Last evaluated: 2025-10-12. Review status: criteria provided, single submitter. Criteria: ACMG Guidelines, 2015. Collection method: clinical testing. Allele origin: germline.
Comment: This missense variant replaces leucine with proline at codon 427 of the STK11 protein. Computational prediction suggests that this variant may not impact protein structure and function. To our knowledge, functional studies have not been reported for this variant. This variant has not been reported in individuals affected with STK11-related disorders in the literature. This variant has been identified in 2/1392638 chromosomes in the general population by the Genome Aggregation Database (gnomAD). The available evidence is insufficient to determine the role of this variant in disease conclusively. Therefore, this variant is classified as a Variant of Uncertain Significance.

Labcorp Genetics (formerly Invitae), Labcorp
Classification: Uncertain significance for Peutz-Jeghers syndrome. Last evaluated: 2022-04-22. Review status: criteria provided, single submitter. Criteria: Invitae Variant Classification Sherloc (09022015). Collection method: clinical testing. Allele origin: germline.
Comment: In summary, the available evidence is currently insufficient to determine the role of this variant in disease. Therefore, it has been classified as a Variant of Uncertain Significance. Advanced modeling of protein sequence and biophysical properties (such as structural, functional, and spatial information, amino acid conservation, physicochemical variation, residue mobility, and thermodynamic stability) performed at Invitae indicates that this missense variant is expected to disrupt STK11 protein function. This variant has not been reported in the literature in individuals affected with STK11-related conditions. This variant is not present in population databases (gnomAD no frequency). This sequence change replaces leucine, which is neutral and non-polar, with proline, which is neutral and non-polar, at codon 427 of the STK11 protein (p.Leu427Pro).

NM_000455.5(STK11):c.1280T>C (p.Leu427Pro)

Gene: STK11 (serine/threonine kinase 11; plus strand). Cytogenetic location: 19p13.3.
Variant type: single nucleotide variant.
Coding change: c.1280T>C on transcript NM_000455.5 (MANE Select); coding-DNA position 1280, T replaced by C.
Protein change: p.Leu427Pro; replaces leucine 427 with proline.
Molecular consequence: missense variant.
Genome position (GRCh38, 1-based): chr19:1,226,625, T>C. VCF-style: chr19-1226625-T-C. GRCh37 (hg19) VCF-style: chr19-1226624-T-C.
Other names: short protein forms L427P.
Identifiers: ClinVar variation 1767910 (VCV001767910.9), dbSNP rs1373682885, ClinGen allele CA402954201.
Genomic context (GRCh38, chr19:1,226,625, plus strand): 5'-AGGGCCGGGCCCCCAACCCTGCCCGCAAGGCCTGCTCCGCCAGCAGCAAGATCCGCCGGC[T>C]GTCGGCCTGCAAGCAGCAGTGAGGCTGGCCGCCTGCAGGTGGGGCGCGGCGGGGCCCGGG-3'
Protein context (NP_000446.1, residues 417-433): ACSASSKIRR[Leu427Pro]SACKQQ